The following is an entry in ClinVar:

ClinVar aggregate classification (germline): Uncertain significance (1 of 4 stars; one submission).

Submission:

CeGaT Center for Human Genetics Tuebingen
Classification: Uncertain significance. Last evaluated: 2023-01-01. Review status: criteria provided, single submitter. Criteria: CeGaT Center For Human Genetics Tuebingen Variant Classification Criteria Version 2. Collection method: clinical testing. Allele origin: germline. Affected: yes. Observed: 1 variant allele.
Comment: SGCE: PM2

NM_003919.3(SGCE):c.374A>G (p.Lys125Arg)

Genes: CASD1 (CAS1 domain sialic acid O acetyltransferase 1; plus strand), SGCE (sarcoglycan epsilon; minus strand). Cytogenetic location: 7q21.3.
Variant type: single nucleotide variant.
Coding change: c.374A>G on transcript NM_003919.3 (MANE Select); coding-DNA position 374, A replaced by G.
Protein change: p.Lys125Arg; replaces lysine 125 with arginine.
Molecular consequence: missense variant.
Genome position (GRCh38, 1-based): chr7:94,628,218, T>C on the plus strand (A>G on the coding strand, the complement: SGCE is on the minus strand). VCF-style: chr7-94628218-T-C. GRCh37 (hg19) VCF-style: chr7-94257530-T-C.
Other names: c.374A>G, p.Lys125Arg (NM_001099400.2, NM_001099401.2, NM_001346717.2); c.251A>G, p.Lys84Arg (NM_001301139.2, NM_001362809.2); c.482A>G, p.Lys161Arg (NM_001346713.2, NM_001346715.2); c.287A>G, p.Lys96Arg (NM_001346719.2, NM_001362807.2); c.101A>G, p.Lys34Arg (NM_001346720.2, NM_001362808.2); short protein forms K125R, K161R, K34R, K84R, K96R.
Identifiers: ClinVar variation 2499050 (VCV002499050.28), dbSNP rs2485168101, ClinGen allele CA368237799.